The following is an entry in ClinVar:

NM_000780.4(CYP7A1):c.261G>A (p.Lys87=)

Gene: CYP7A1 (cytochrome P450 family 7 subfamily A member 1; minus strand). Cytogenetic location: 8q12.1.
Variant type: single nucleotide variant.
Coding change: c.261G>A on transcript NM_000780.4 (MANE Select); coding-DNA position 261, G replaced by A.
Protein change: p.Lys87=; no amino-acid change (lysine 87 retained).
Molecular consequence: synonymous variant.
Genome position (GRCh38, 1-based): chr8:58,498,289, C>T on the plus strand (G>A on the coding strand, the complement: CYP7A1 is on the minus strand). VCF-style: chr8-58498289-C-T. GRCh37 (hg19) VCF-style: chr8-59410848-C-T.
Identifiers: ClinVar variation 4986462 (VCV004986462.1).

ClinVar aggregate classification (germline): Likely benign (1 of 4 stars; one submission).

Conditions:
CYP7A1-related disorder. Also called: CYP7A1-related condition.

gnomAD v4.1: 140 of 1,614,076 alleles (0.0087%); highest among the groups gnomAD compares: Non-Finnish European, 0.011%; no homozygotes.

Submission:

PreventionGenetics, part of Exact Sciences
Classification: Likely benign for CYP7A1-related condition. Last evaluated: 2025-01-23. Review status: criteria provided, single submitter. Criteria: ACMG Guidelines, 2015. Collection method: clinical testing. Allele origin: germline.
Comment: This variant is classified as likely benign based on ACMG/AMP sequence variant interpretation guidelines (Richards et al. 2015 PMID: 25741868, with internal and published modifications).